The following is an entry in ClinVar:

ClinVar aggregate classification (germline): Likely benign (1 of 4 stars; one submission).

Allele frequency attached by ClinVar (database versions not stated): gnomAD 0.01199 and 0.01286; 1000 Genomes Project 0.01238; 1000 Genomes Project 30x 0.01312; TOPMed 0.01365.
gnomAD v4.1: 1,804 of 152,288 alleles (1.2%); highest among the groups gnomAD compares: African/African-American, 4.2%; 41 homozygotes.

Submission:

GeneDx
Classification: Likely benign. Last evaluated: 2018-06-19. Review status: criteria provided, single submitter. Criteria: GeneDx Variant Classification (06012015). Collection method: clinical testing. Allele origin: germline. Affected: yes.
Comment: This variant is considered likely benign or benign based on one or more of the following criteria: it is a conservative change, it occurs at a poorly conserved position in the protein, it is predicted to be benign by multiple in silico algorithms, and/or has population frequency not consistent with disease.

NM_004393.6(DAG1):c.286-333G>C

Gene: DAG1 (dystroglycan 1; plus strand). Cytogenetic location: 3p21.31.
Variant type: single nucleotide variant.
Coding change: c.286-333G>C on transcript NM_004393.6 (MANE Select); 333 bases into the intron before coding-DNA position 286, G replaced by C.
Molecular consequence: intron variant.
Genome position (GRCh38, 1-based): chr3:49,530,464, G>C. VCF-style: chr3-49530464-G-C. GRCh37 (hg19) VCF-style: chr3-49567897-G-C.
Other names: c.286-333G>C (NM_001177643.3, NM_001177644.3, NM_001177634.3 and 9 more transcripts).
Identifiers: ClinVar variation 674202 (VCV000674202.2), dbSNP rs79896705, ClinGen allele CA74521529.